The following is an entry in ClinVar:

ClinVar aggregate classification (germline): Likely benign. Review status: criteria provided, multiple submitters, no conflicts (2 of 4 stars). 3 submissions from 3 submitters: Likely benign (3). Last evaluated 2022-03-15.

Conditions:
Neurofibromatosis, type 1 (NF1). Also called: NEUROFIBROMATOSIS, TYPE I, SOMATIC; Peripheral type neurofibromatosis; Neurofibromatosis, type I; VON RECKLINGHAUSEN DISEASE. Identifiers: Orphanet 636, MedGen C0027831, MONDO:0018975, OMIM 162200. Disease mechanism: loss of function.

Allele frequency attached by ClinVar (database versions not stated): gnomAD exomes below 0.00001.
gnomAD v4.1: 2 of 1,613,802 alleles (0.00012%); highest among the groups gnomAD compares: Non-Finnish European, 0.00017%; no homozygotes.

Submissions (3):

Genome-Nilou Lab
Classification: Likely benign for Neurofibromatosis, type 1. Last evaluated: 2022-03-15. Review status: criteria provided, single submitter. Criteria: ACMG Guidelines, 2015. Collection method: clinical testing. Allele origin: germline. Affected: no.

Labcorp Genetics (formerly Invitae), Labcorp
Classification: Likely benign for Neurofibromatosis, type 1. Last evaluated: 2021-04-12. Review status: criteria provided, single submitter. Criteria: Invitae Variant Classification Sherloc (09022015). Collection method: clinical testing. Allele origin: germline.

GeneDx
Classification: Likely benign. Last evaluated: 2018-02-20. Review status: criteria provided, single submitter. Criteria: GeneDx Variant Classification (06012015). Collection method: clinical testing. Allele origin: germline. Affected: yes.
Comment: This variant is considered likely benign or benign based on one or more of the following criteria: it is a conservative change, it occurs at a poorly conserved position in the protein, it is predicted to be benign by multiple in silico algorithms, and/or has population frequency not consistent with disease.

NM_001042492.3(NF1):c.8031G>A (p.Leu2677=)

Gene: NF1 (neurofibromin 1; plus strand). Cytogenetic location: 17q11.2.
Variant type: single nucleotide variant.
Coding change: c.8031G>A on transcript NM_001042492.3 (MANE Select); coding-DNA position 8031, G replaced by A.
Protein change: p.Leu2677=; no amino-acid change (leucine 2677 retained).
Molecular consequence: synonymous variant.
Genome position (GRCh38, 1-based): chr17:31,358,540, G>A. VCF-style: chr17-31358540-G-A. GRCh37 (hg19) VCF-style: chr17-29685558-G-A.
Other names: c.7968G>A, p.Leu2656= (NM_000267.4).
Identifiers: ClinVar variation 515752 (VCV000515752.8), dbSNP rs1555536905, ClinGen allele CA499344945.